The following is an entry in ClinVar:

ClinVar aggregate classification (germline): Uncertain significance (1 of 4 stars; one submission).

Conditions:
Developmental and epileptic encephalopathy, 12 (DEE12). Identifiers: MedGen C3150988, MONDO:0013389, OMIM 613722.

Submission:

Labcorp Genetics (formerly Invitae), Labcorp
Classification: Uncertain significance for Developmental and epileptic encephalopathy, 12. Last evaluated: 2020-02-18. Review status: criteria provided, single submitter. Criteria: Invitae Variant Classification Sherloc (09022015). Collection method: clinical testing. Allele origin: germline.
Comment: This sequence change replaces serine with proline at codon 1185 of the PLCB1 protein (p.Ser1185Pro). The serine residue is moderately conserved and there is a moderate physicochemical difference between serine and proline. This variant is not present in population databases (ExAC no frequency). This variant has not been reported in the literature in individuals with PLCB1-related conditions. Algorithms developed to predict the effect of missense changes on protein structure and function output the following: SIFT: "Tolerated"; PolyPhen-2: "Benign"; Align-GVGD: "Class C0". The proline amino acid residue is found in multiple mammalian species, suggesting that this missense change does not adversely affect protein function. These predictions have not been confirmed by published functional studies and their clinical significance is uncertain. In summary, the available evidence is currently insufficient to determine the role of this variant in disease. Therefore, it has been classified as a Variant of Uncertain Significance.

NM_015192.4(PLCB1):c.3553T>C (p.Ser1185Pro)

Gene: PLCB1 (phospholipase C beta 1; plus strand). Cytogenetic location: 20p12.3.
Variant type: single nucleotide variant.
Coding change: c.3553T>C on transcript NM_015192.4 (MANE Select); coding-DNA position 3553, T replaced by C.
Protein change: p.Ser1185Pro; replaces serine 1185 with proline.
Molecular consequence: missense variant. On other transcripts: 3 prime UTR variant (1).
Genome position (GRCh38, 1-based): chr20:8,881,751, T>C. VCF-style: chr20-8881751-T-C. GRCh37 (hg19) VCF-style: chr20-8862398-T-C.
Other names: c.*149T>C (NM_182734.3); short protein forms S1185P.
Identifiers: ClinVar variation 1042846 (VCV001042846.9), dbSNP rs1988000094, ClinGen allele CA408263550.